The following is an entry in ClinVar:

NM_052947.4(ALPK2):c.2476C>T (p.Pro826Ser)

Gene: ALPK2 (alpha kinase 2; minus strand). Cytogenetic location: 18q21.31.
Variant type: single nucleotide variant.
Coding change: c.2476C>T on transcript NM_052947.4 (MANE Select); coding-DNA position 2476, C replaced by T.
Protein change: p.Pro826Ser; replaces proline 826 with serine.
Molecular consequence: missense variant.
Genome position (GRCh38, 1-based): chr18:58,537,711, G>A on the plus strand (C>T on the coding strand, the complement: ALPK2 is on the minus strand). VCF-style: chr18-58537711-G-A. GRCh37 (hg19) VCF-style: chr18-56204943-G-A.
Other names: short protein forms P826S.
Identifiers: ClinVar variation 1791839 (VCV001791839.2), dbSNP rs139158112, ClinGen allele CA402570449.

ClinVar aggregate classification (germline): Uncertain significance (1 of 4 stars; one submission).

gnomAD v4.1: 3 of 1,614,080 alleles (0.00019%); highest among the groups gnomAD compares: Middle Eastern, 0.016%; no homozygotes.

Submission:

Ambry Genetics
Classification: Uncertain significance. Last evaluated: 2021-10-25. Review status: criteria provided, single submitter. Criteria: Ambry Variant Classification Scheme 2023. Collection method: clinical testing. Allele origin: germline.
Comment: The p.P826S variant (also known as c.2476C>T), located in coding exon 4 of the ALPK2 gene, results from a C to T substitution at nucleotide position 2476. The proline at codon 826 is replaced by serine, an amino acid with similar properties. This amino acid position is conserved. In addition, this alteration is predicted to be tolerated by in silico analysis. Since supporting evidence is limited at this time, the clinical significance of this alteration remains unclear.